The following is an entry in ClinVar:

ClinVar aggregate classification (germline): Uncertain significance (1 of 4 stars; one submission).

Submission:

Ambry Genetics
Classification: Uncertain significance. Last evaluated: 2025-08-18. Review status: criteria provided, single submitter. Criteria: Ambry Variant Classification Scheme 2023. Collection method: clinical testing. Allele origin: germline.
Comment: The c.957+3G>A intronic variant results from a G to A substitution 3 nucleotides after coding exon 8 in the RAD51B gene. This nucleotide position is well conserved in available vertebrate species. In silico splice site analysis predicts that this alteration will not have any significant effect on splicing. The evidence for this gene-disease relationship is limited; therefore, the clinical significance of this alteration is unclear.

NM_133510.4(RAD51B):c.957+3G>A

Gene: RAD51B (RAD51 paralog B; plus strand). Cytogenetic location: 14q24.1.
Variant type: single nucleotide variant.
Coding change: c.957+3G>A on transcript NM_133510.4 (MANE Select); 3 bases into the intron after coding-DNA position 957, G replaced by A.
Molecular consequence: intron variant.
Genome position (GRCh38, 1-based): chr14:68,411,530, G>A. VCF-style: chr14-68411530-G-A. GRCh37 (hg19) VCF-style: chr14-68878247-G-A.
Other names: c.957+3G>A (NM_001321818.2, NM_001321809.2, NM_001321821.2 and 6 more transcripts); c.600+3G>A (NM_001321817.2); c.843+3G>A (NM_001321815.1).
Identifiers: ClinVar variation 4149848 (VCV004149848.1).